The following is an entry in ClinVar:

ClinVar aggregate classification (germline): Uncertain significance (1 of 4 stars; one submission).

gnomAD v4.1: 1 of 1,613,902 alleles (0.000062%); highest among the groups gnomAD compares: Non-Finnish European, 0.000085%; no homozygotes.

Submission:

Labcorp Genetics (formerly Invitae), Labcorp
Classification: Uncertain significance. Last evaluated: 2022-11-14. Review status: criteria provided, single submitter. Criteria: Invitae Variant Classification Sherloc (09022015). Collection method: clinical testing. Allele origin: germline.
Comment: This variant is not present in population databases (gnomAD no frequency). This variant has not been reported in the literature in individuals affected with TUBB3-related conditions. This sequence change replaces serine, which is neutral and polar, with arginine, which is basic and polar, at codon 413 of the TUBB3 protein (p.Ser413Arg). In summary, the available evidence is currently insufficient to determine the role of this variant in disease. Therefore, it has been classified as a Variant of Uncertain Significance. Advanced modeling of protein sequence and biophysical properties (such as structural, functional, and spatial information, amino acid conservation, physicochemical variation, residue mobility, and thermodynamic stability) performed at Invitae indicates that this missense variant is not expected to disrupt TUBB3 protein function. ClinVar contains an entry for this variant (Variation ID: 1388734).

NM_006086.4(TUBB3):c.1239C>G (p.Ser413Arg)

Gene: TUBB3 (tubulin beta 3 class III; plus strand). Cytogenetic location: 16q24.3.
Variant type: single nucleotide variant.
Coding change: c.1239C>G on transcript NM_006086.4 (MANE Select); coding-DNA position 1239, C replaced by G.
Protein change: p.Ser413Arg; replaces serine 413 with arginine.
Molecular consequence: missense variant.
Genome position (GRCh38, 1-based): chr16:89,935,690, C>G. VCF-style: chr16-89935690-C-G. GRCh37 (hg19) VCF-style: chr16-90002098-C-G.
Other names: c.1023C>G, p.Ser341Arg (NM_001197181.2); short protein forms S341R, S413R.
Identifiers: ClinVar variation 1388734 (VCV001388734.6), dbSNP rs2151093115, ClinGen allele CA397477045.
Genomic context (GRCh38, chr16:89,935,690, plus strand): 5'-CTTCCTGCACTGGTACACGGGCGAGGGCATGGACGAGATGGAGTTCACCGAGGCCGAGAG[C>G]AACATGAACGACCTGGTGTCCGAGTACCAGCAGTACCAGGACGCCACGGCCGAGGAAGAG-3'
Protein context (NP_006077.2, residues 403-423): MDEMEFTEAE[Ser413Arg]NMNDLVSEYQ